The following is an entry in ClinVar:

NM_001231.5(CASQ1):c.576G>A (p.Glu192=)

Gene: CASQ1 (calsequestrin 1; plus strand). Cytogenetic location: 1q23.2.
Variant type: single nucleotide variant.
Coding change: c.576G>A on transcript NM_001231.5 (MANE Select); coding-DNA position 576, G replaced by A.
Protein change: p.Glu192=; no amino-acid change (glutamic acid 192 retained).
Molecular consequence: synonymous variant.
Genome position (GRCh38, 1-based): chr1:160,195,122, G>A. VCF-style: chr1-160195122-G-A. GRCh37 (hg19) VCF-style: chr1-160164912-G-A.
Identifiers: ClinVar variation 2985155 (VCV002985155.3), dbSNP rs1188598435, ClinGen allele CA421361114.

ClinVar aggregate classification (germline): Uncertain significance (1 of 4 stars; one submission).

Allele frequency attached by ClinVar (database versions not stated): gnomAD 0.00001; TOPMed 0.00001; gnomAD exomes 0.00002.
gnomAD v4.1: 27 of 1,594,660 alleles (0.0017%); highest among the groups gnomAD compares: Non-Finnish European, 0.0023%; no homozygotes.

Submission:

Labcorp Genetics (formerly Invitae), Labcorp
Classification: Uncertain significance. Last evaluated: 2023-06-27. Review status: criteria provided, single submitter. Criteria: Invitae Variant Classification Sherloc (09022015). Collection method: clinical testing. Allele origin: germline.
Comment: This variant is present in population databases (no rsID available, gnomAD 0.007%). In summary, the available evidence is currently insufficient to determine the role of this variant in disease. Therefore, it has been classified as a Variant of Uncertain Significance. Algorithms developed to predict the effect of sequence changes on RNA splicing suggest that this variant is not likely to affect RNA splicing. This variant has not been reported in the literature in individuals affected with CASQ1-related conditions. This sequence change affects codon 192 of the CASQ1 mRNA. It is a 'silent' change, meaning that it does not change the encoded amino acid sequence of the CASQ1 protein. It affects a nucleotide within the consensus splice site.